The following is an entry in ClinVar:

ClinVar aggregate classification (germline): Uncertain significance (1 of 4 stars; one submission).

Submission:

Labcorp Genetics (formerly Invitae), Labcorp
Classification: Uncertain significance. Last evaluated: 2024-10-29. Review status: criteria provided, single submitter. Criteria: Invitae Variant Classification Sherloc (09022015). Collection method: clinical testing. Allele origin: germline.
Comment: This sequence change replaces alanine, which is neutral and non-polar, with serine, which is neutral and polar, at codon 1411 of the TRPM6 protein (p.Ala1411Ser). This variant is not present in population databases (gnomAD no frequency). This variant has not been reported in the literature in individuals affected with TRPM6-related conditions. ClinVar contains an entry for this variant (Variation ID: 1975831). An algorithm developed to predict the effect of missense changes on protein structure and function outputs the following: PolyPhen-2: "Benign". The serine amino acid residue is found in multiple mammalian species, which suggests that this missense change does not adversely affect protein function. In summary, the available evidence is currently insufficient to determine the role of this variant in disease. Therefore, it has been classified as a Variant of Uncertain Significance.

NM_017662.5(TRPM6):c.4231G>T (p.Ala1411Ser)

Gene: TRPM6 (transient receptor potential cation channel subfamily M member 6; minus strand). Cytogenetic location: 9q21.13.
Variant type: single nucleotide variant.
Coding change: c.4231G>T on transcript NM_017662.5 (MANE Select); coding-DNA position 4231, G replaced by T.
Protein change: p.Ala1411Ser; replaces alanine 1411 with serine.
Molecular consequence: missense variant.
Genome position (GRCh38, 1-based): chr9:74,762,440, C>A on the plus strand (G>T on the coding strand, the complement: TRPM6 is on the minus strand). VCF-style: chr9-74762440-C-A. GRCh37 (hg19) VCF-style: chr9-77377356-C-A.
Other names: c.4216G>T, p.Ala1406Ser (NM_001177310.2, NM_001177311.2); short protein forms A1406S, A1411S.
Identifiers: ClinVar variation 1975831 (VCV001975831.5), dbSNP rs2489894511, ClinGen allele CA373685273.